The following is an entry in ClinVar:

NM_007294.4(BRCA1):c.3424del (p.Ala1142fs)

Genes: BRCA1 (BRCA1 DNA repair associated; minus strand), LOC126862571 (BRD4-independent group 4 enhancer GRCh37_chr17:41243136-41244335; plus strand). Cytogenetic location: 17q21.31.
Variant type: Deletion.
Coding change: c.3424del on transcript NM_007294.4 (MANE Select); coding-DNA position 3424, one base deleted (G; older notation c.3424delG).
Protein change: p.Ala1142fs; shifts the reading frame from alanine 1142.
Molecular consequence: frameshift variant. On other transcripts: intron variant (135).
Genome position (GRCh38, 1-based): chr17:43,092,107, C deleted on the plus strand (G on the coding strand, the reverse complement: BRCA1 is on the minus strand). VCF-style (leftmost placement, unchanged base first): chr17-43092106-GC-G. GRCh37 (hg19) VCF-style: chr17-41244123-GC-G.
Other names: c.3424del, p.Ala1142fs (NM_007300.4, NM_001407854.1, NM_001407858.1 and 30 more transcripts); c.647-1075del (NM_001408458.1, NM_001408469.1, NM_001408453.1 and 11 more transcripts); c.284-1075del (NM_001408512.1); c.407-1075del (NM_001408510.1); c.644-1075del (NM_001408470.1, NM_001408464.1, NM_001408468.1 and 3 more transcripts); c.785-1075del (NM_001408397.1, NM_001408401.1, NM_001408396.1 and 13 more transcripts); c.665-1075del (NM_001408436.1, NM_001408444.1, NM_001408438.1 and 12 more transcripts); c.788-1075del (NM_001407980.1, NM_001407993.1, NM_001407976.1 and 17 more transcripts); and 41 more; short protein forms A1142fs, A1095fs, A1014fs, A1031fs, A1115fs, A1116fs, A274fs, A1072fs.
Identifiers: ClinVar variation 438924 (VCV000438924.9), dbSNP rs1555587718, ClinGen allele CA645509526.

ClinVar aggregate classification (germline): Pathogenic. Review status: reviewed by expert panel (3 of 4 stars). 3 submissions from 3 submitters: Pathogenic (1). 2 of the submissions do not count toward it. Last evaluated 2017-12-15.

Conditions:
Hereditary cancer-predisposing syndrome. Also called: Neoplastic Syndromes, Hereditary; Hereditary neoplastic syndrome; Tumor predisposition; Hereditary Cancer Syndrome. Identifiers: Orphanet 140162, MedGen C0027672, MeSH D009386, MONDO:0015356.
Breast-ovarian cancer, familial, susceptibility to, 1 (BROVCA1). Also called: BRCA1 Hereditary Breast and Ovarian Cancer; OVARIAN CANCER, SUSCEPTIBILITY TO. Identifiers: Orphanet 145, MedGen C2676676, MONDO:0011450, OMIM 604370. Disease mechanism: loss of function.

Submissions (3):

Evidence-based Network for the Interpretation of Germline Mutant Alleles (ENIGMA)
Classification: Pathogenic for Breast-ovarian cancer, familial, susceptibility to, 1. Last evaluated: 2017-12-15. Review status: reviewed by expert panel. Criteria: ENIGMA BRCA1/2 Classification Criteria (2017-06-29). Collection method: curation. Allele origin: germline. Study: ENIGMA.
Comment: Variant allele predicted to encode a truncated non-functional protein.

Ambry Genetics
Classification: Pathogenic for Hereditary cancer-predisposing syndrome. Last evaluated: 2025-08-12. Review status: criteria provided, single submitter. Criteria: Ambry Variant Classification Scheme 2023. Collection method: clinical testing. Allele origin: germline. Not counted in ClinVar's aggregate classification.
Comment: The c.3424delG pathogenic mutation, located in coding exon 9 of the BRCA1 gene, results from a deletion of one nucleotide at nucleotide position 3424, causing a translational frameshift with a predicted alternate stop codon (p.A1142Hfs*13). This alteration is expected to result in loss of function by premature protein truncation or nonsense-mediated mRNA decay. As such, this alteration is interpreted as a disease-causing mutation.

Quest Diagnostics Nichols Institute San Juan Capistrano
Classification: Pathogenic. Last evaluated: 2016-12-31. Review status: criteria provided, single submitter. Criteria: Quest Diagnostics criteria. Collection method: clinical testing. Allele origin: germline. Not counted in ClinVar's aggregate classification.

Literature cited by the submitters: PubMed 22921312 (cited by Quest Diagnostics Nichols Institute San Juan Capistrano).